The following is an entry in ClinVar:

NM_033380.3(COL4A5):c.3293G>T (p.Gly1098Val)

Gene: COL4A5 (collagen type IV alpha 5 chain; plus strand). Cytogenetic location: Xq22.3.
Variant type: single nucleotide variant.
Coding change: c.3293G>T on transcript NM_033380.3 (MANE Select); coding-DNA position 3293, G replaced by T.
Protein change: p.Gly1098Val; replaces glycine 1098 with valine.
Molecular consequence: missense variant.
Genome position (GRCh38, 1-based): chrX:108,655,377, G>T. VCF-style: chrX-108655377-G-T. GRCh37 (hg19) VCF-style: chrX-107898607-G-T.
Other names: c.3293G>T, p.Gly1098Val (NM_000495.5); short protein forms G1098V.
Identifiers: ClinVar variation 3613730 (VCV003613730.2).

ClinVar aggregate classification (germline): Pathogenic (1 of 4 stars; one submission).

Submission:

Labcorp Genetics (formerly Invitae), Labcorp
Classification: Pathogenic. Last evaluated: 2024-02-09. Review status: criteria provided, single submitter. Criteria: Invitae Variant Classification Sherloc (09022015). Collection method: clinical testing. Allele origin: germline.
Comment: This sequence change replaces glycine, which is neutral and non-polar, with valine, which is neutral and non-polar, at codon 1098 of the COL4A5 protein (p.Gly1098Val). This variant is not present in population databases (gnomAD no frequency). This missense change has been observed in individual(s) with Alport syndrome (PMID: 32761583). It has also been observed to segregate with disease in related individuals. Advanced modeling of protein sequence and biophysical properties (such as structural, functional, and spatial information, amino acid conservation, physicochemical variation, residue mobility, and thermodynamic stability) performed at Invitae indicates that this missense variant is expected to disrupt COL4A5 protein function with a positive predictive value of 95%. This variant disrupts the triple helix domain of COL4A5. Glycine residues within the Gly-Xaa-Yaa repeats of the triple helix domain are required for the structure and stability of fibrillar collagens (PMID: 7695699, 8218237, 19344236). In COL4A5, missense variants at these glycine residues are significantly enriched in individuals with disease (PMID: 23720012, 27627812) compared to the general population (ExAC). For these reasons, this variant has been classified as Pathogenic.

Literature cited by the submitters: PubMed 32761583; PubMed 7695699; PubMed 8218237; PubMed 19344236; PubMed 23720012; PubMed 27627812.